The following is an entry in ClinVar:

ClinVar aggregate classification (germline): Pathogenic. Review status: criteria provided, multiple submitters, no conflicts (2 of 4 stars). 3 submissions from 3 submitters: Pathogenic (3). Last evaluated 2025-08-01.

Conditions:
Exudative vitreoretinopathy 5 (EVR5). Identifiers: Orphanet 891, MedGen C2750079, MONDO:0013218, OMIM 613310.

Allele frequency attached by ClinVar (database versions not stated): gnomAD exomes 0.00001 and below 0.00001.

Submissions (3):

3billion
Classification: Pathogenic for Exudative vitreoretinopathy 5. Last evaluated: 2025-08-01. Review status: criteria provided, single submitter. Criteria: ACMG Guidelines, 2015. Collection method: clinical testing. Allele origin: germline. Affected: yes.
Comment: The variant is observed at an extremely low frequency in the gnomAD v4.1.0 dataset (total allele frequency: <0.001%). Predicted Consequence/Location: Frameshift: predicted to result in a loss or disruption of normal protein function through nonsense-mediated decay (NMD) or protein truncation. Multiple pathogenic variants are reported downstream of the variant. The variant has been reported at least twice as pathogenic without evidence for the classification (ClinVar ID: VCV001172699 /PMID: 34828430). Therefore, this variant is classified as Pathogenic according to the recommendation of ACMG/AMP guideline.

Labcorp Genetics (formerly Invitae), Labcorp
Classification: Pathogenic. Last evaluated: 2024-12-02. Review status: criteria provided, single submitter. Criteria: Invitae Variant Classification Sherloc (09022015). Collection method: clinical testing. Allele origin: germline.
Comment: This sequence change creates a premature translational stop signal (p.Leu101Profs*16) in the TSPAN12 gene. It is expected to result in an absent or disrupted protein product. Loss-of-function variants in TSPAN12 are known to be pathogenic (PMID: 20159112, 21334594). This variant is present in population databases (no rsID available, gnomAD 0.003%). This variant has not been reported in the literature in individuals affected with TSPAN12-related conditions. ClinVar contains an entry for this variant (Variation ID: 1172699). For these reasons, this variant has been classified as Pathogenic.

DBGen Ocular Genomics
Classification: Pathogenic for Exudative vitreoretinopathy 5. Last evaluated: 2021-05-25. Review status: criteria provided, single submitter. Criteria: ACMG Guidelines, 2015. Collection method: clinical testing. Allele origin: germline. Affected: yes. Observed: 1 variant allele.

Literature cited by the submitters: PubMed 34828430 (cited by 3billion); PubMed 20159112 (cited by Labcorp Genetics (formerly Invitae), Labcorp); PubMed 21334594 (cited by Labcorp Genetics (formerly Invitae), Labcorp).

NM_012338.4(TSPAN12):c.301dup (p.Leu101fs)

Gene: TSPAN12 (tetraspanin 12; minus strand). Cytogenetic location: 7q31.31.
Variant type: Duplication.
Coding change: c.301dup on transcript NM_012338.4 (MANE Select); coding-DNA position 301, one base duplicated (C; older notation c.301dupC).
Protein change: p.Leu101fs; shifts the reading frame from leucine 101.
Molecular consequence: frameshift variant.
Genome position (GRCh38, 1-based): chr7:120,815,788, G duplicated on the plus strand (C on the coding strand, the reverse complement: TSPAN12 is on the minus strand). VCF-style (leftmost placement, unchanged base first): chr7-120815787-A-AG. GRCh37 (hg19) VCF-style: chr7-120455841-A-AG.
Other names: short protein forms L101fs.
Identifiers: ClinVar variation 1172699 (VCV001172699.8), dbSNP rs1407226293, ClinGen allele CA577567484.